The following is an entry in ClinVar:

ClinVar aggregate classification (germline): Benign. Review status: criteria provided, multiple submitters, no conflicts (2 of 4 stars). 11 submissions from 11 submitters: Benign (8). 3 of the submissions do not count toward it. Last evaluated 2026-02-04.

Conditions:
PHARC syndrome. Also called: Polyneuropathy-hearing loss-ataxia-retinitis pigmentosa-cataract syndrome. Identifiers: Orphanet 171848, MedGen C2675204, MONDO:0012984, OMIM 612674.

Allele frequency attached by ClinVar (database versions not stated): ESP Exome Variant Server 0.44141; gnomAD 0.45223 and 0.45721; TOPMed 0.45327; gnomAD exomes 0.45933; ExAC 0.46324; 1000 Genomes Project 30x 0.52670; 1000 Genomes Project 0.54153.
gnomAD v4.1: 731,599 of 1,613,460 alleles (45%); highest among the groups gnomAD compares: East Asian, 92%; 172,406 homozygotes.

Submissions (11):

Labcorp Genetics (formerly Invitae), Labcorp
Classification: Benign. Last evaluated: 2026-02-04. Review status: criteria provided, single submitter. Criteria: Invitae Variant Classification Sherloc (09022015). Collection method: clinical testing. Allele origin: germline.

Blueprint Genetics
Classification: Benign. Last evaluated: 2024-11-28. Review status: criteria provided, single submitter. Criteria: ACMG Guidelines, 2015. Collection method: clinical testing. Allele origin: germline.

Mayo Clinic Laboratories, Mayo Clinic
Classification: Benign. Last evaluated: 2022-03-24. Review status: criteria provided, single submitter. Criteria: ACMG Guidelines, 2015. Collection method: clinical testing. Allele origin: germline. Observed: 434 variant alleles.

Genome-Nilou Lab
Classification: Benign for PHARC syndrome. Last evaluated: 2021-07-14. Review status: criteria provided, single submitter. Criteria: ACMG Guidelines, 2015. Collection method: clinical testing. Allele origin: germline. Affected: no.

Illumina Laboratory Services, Illumina
Classification: Benign for PHARC syndrome. Last evaluated: 2018-01-12. Review status: criteria provided, single submitter. Criteria: ICSL Variant Classification Criteria 13 December 2019. Collection method: clinical testing. Allele origin: germline.
Comment: This variant was observed in the ICSL laboratory as part of a predisposition screen in an ostensibly healthy population. It had not been previously curated by ICSL or reported in the Human Gene Mutation Database (HGMD: prior to June 1st, 2018), and was therefore a candidate for classification through an automated scoring system. Utilizing variant allele frequency, disease prevalence and penetrance estimates, and inheritance mode, an automated score was calculated to assess if this variant is too frequent to cause the disease. Based on the score and internal cut-off values, a variant classified as benign is not then subjected to further curation. The score for this variant resulted in a classification of benign for this disease.

GeneDx
Classification: Benign. Last evaluated: 2017-05-09. Review status: criteria provided, single submitter. Criteria: GeneDx Variant Classification (06012015). Collection method: clinical testing. Allele origin: germline. Affected: yes.
Comment: This variant is considered likely benign or benign based on one or more of the following criteria: it is a conservative change, it occurs at a poorly conserved position in the protein, it is predicted to be benign by multiple in silico algorithms, and/or has population frequency not consistent with disease.

Eurofins Ntd Llc (ga)
Classification: Benign. Last evaluated: 2016-02-10. Review status: criteria provided, single submitter. Criteria: EGL Classification Definitions 2015. Collection method: clinical testing. Allele origin: germline. Observed: 4 variant alleles, 4 heterozygotes.

Breakthrough Genomics
Classification: Benign. Review status: criteria provided, single submitter. Criteria: ACMG Guidelines, 2015. Collection method: not provided. Allele origin: germline. Inheritance: Autosomal recessive inheritance. Affected: yes.

Clinical Genetics, Academic Medical Center
Classification: Benign. Review status: no assertion criteria provided. Collection method: clinical testing. Allele origin: germline. Affected: yes. Study: VKGL Data-share Consensus. Not counted in ClinVar's aggregate classification.

Genetic Services Laboratory, University of Chicago
Classification: Likely benign for AllHighlyPenetrant. Review status: no assertion criteria provided. Collection method: clinical testing. Allele origin: germline. Inheritance: Autosomal recessive inheritance. Not counted in ClinVar's aggregate classification.
Comment: Likely benign based on allele frequency in 1000 Genomes Project or ESP global frequency and its presence in a patient with a rare or unrelated disease phenotype. NOT Sanger confirmed.

Joint Genome Diagnostic Labs from Nijmegen and Maastricht, Radboudumc and MUMC+
Classification: Benign. Review status: no assertion criteria provided. Collection method: clinical testing. Allele origin: germline. Affected: yes. Study: VKGL Data-share Consensus. Not counted in ClinVar's aggregate classification.

NM_001042472.3(ABHD12):c.1068T>C (p.Asp356=)

Gene: ABHD12 (abhydrolase domain containing 12, lysophospholipase; minus strand). Cytogenetic location: 20p11.21.
Variant type: single nucleotide variant.
Coding change: c.1068T>C on transcript NM_001042472.3 (MANE Select); coding-DNA position 1068, T replaced by C.
Protein change: p.Asp356=; no amino-acid change (aspartic acid 356 retained).
Molecular consequence: synonymous variant.
Genome position (GRCh38, 1-based): chr20:25,302,308, A>G on the plus strand (T>C on the coding strand, the complement: ABHD12 is on the minus strand). VCF-style: chr20-25302308-A-G. GRCh37 (hg19) VCF-style: chr20-25282944-A-G.
Other names: p.Asp356=; c.1068T>C, p.Asp356= (NM_015600.5).
Identifiers: ClinVar variation 128254 (VCV000128254.30), dbSNP rs10966, ClinGen allele CA151559.